The following is an entry in ClinVar:

NM_001113378.2(FANCI):c.517T>C (p.Tyr173His)

Gene: FANCI (FA complementation group I; plus strand). Cytogenetic location: 15q26.1.
Variant type: single nucleotide variant.
Coding change: c.517T>C on transcript NM_001113378.2 (MANE Select); coding-DNA position 517, T replaced by C.
Protein change: p.Tyr173His; replaces tyrosine 173 with histidine.
Molecular consequence: missense variant.
Genome position (GRCh38, 1-based): chr15:89,263,432, T>C. VCF-style: chr15-89263432-T-C. GRCh37 (hg19) VCF-style: chr15-89806663-T-C.
Other names: c.238T>C, p.Tyr80His (NM_001376910.1); c.517T>C, p.Tyr173His (NM_001376911.1, NM_018193.3); short protein forms Y173H, Y80H.
Identifiers: ClinVar variation 1392652 (VCV001392652.7), dbSNP rs2151291390, ClinGen allele CA393738753.

ClinVar aggregate classification (germline): Uncertain significance. Review status: criteria provided, multiple submitters, no conflicts (2 of 4 stars). 2 submissions from 2 submitters: Uncertain significance (2). Last evaluated 2024-12-07.

Conditions:
Fanconi anemia complementation group I (FANCI). Also called: FANCI-Related Fanconi Anemia. Identifiers: Orphanet 84, MedGen C1836861, MONDO:0012186, OMIM 609053.
Fanconi anemia (FA). Also called: Fanconi's anemia. Identifiers: Orphanet 84, MedGen C0015625, MeSH D005199, MONDO:0019391.

Submissions (2):

Labcorp Genetics (formerly Invitae), Labcorp
Classification: Uncertain significance for Fanconi anemia. Last evaluated: 2024-12-07. Review status: criteria provided, single submitter. Criteria: Invitae Variant Classification Sherloc (09022015). Collection method: clinical testing. Allele origin: germline.
Comment: This sequence change replaces tyrosine, which is neutral and polar, with histidine, which is basic and polar, at codon 173 of the FANCI protein (p.Tyr173His). This variant is not present in population databases (gnomAD no frequency). This variant has not been reported in the literature in individuals affected with FANCI-related conditions. ClinVar contains an entry for this variant (Variation ID: 1392652). Invitae Evidence Modeling of protein sequence and biophysical properties (such as structural, functional, and spatial information, amino acid conservation, physicochemical variation, residue mobility, and thermodynamic stability) indicates that this missense variant is not expected to disrupt FANCI protein function with a negative predictive value of 80%. In summary, the available evidence is currently insufficient to determine the role of this variant in disease. Therefore, it has been classified as a Variant of Uncertain Significance.

Fulgent Genetics
Classification: Uncertain significance for Fanconi anemia complementation group I. Last evaluated: 2021-10-18. Review status: criteria provided, single submitter. Criteria: ACMG Guidelines, 2015. Collection method: clinical testing. Allele origin: unknown.